The following is an entry in ClinVar:

ClinVar aggregate classification (germline): Uncertain significance (1 of 4 stars; one submission).

Conditions:
Spastic paraplegia. Identifiers: MedGen C0037772, HP:0001258.

Allele frequency attached by ClinVar (database versions not stated): TOPMed 0.00001.

Submission:

Labcorp Genetics (formerly Invitae), Labcorp
Classification: Uncertain significance for Spastic paraplegia. Last evaluated: 2021-04-08. Review status: criteria provided, single submitter. Criteria: Invitae Variant Classification Sherloc (09022015). Collection method: clinical testing. Allele origin: germline.
Comment: In summary, the available evidence is currently insufficient to determine the role of this variant in disease. Therefore, it has been classified as a Variant of Uncertain Significance. Algorithms developed to predict the effect of missense changes on protein structure and function (SIFT, PolyPhen-2, Align-GVGD) all suggest that this variant is likely to be disruptive, but these predictions have not been confirmed by published functional studies and their clinical significance is uncertain. This variant has not been reported in the literature in individuals with L1CAM-related conditions. This variant is not present in population databases (ExAC no frequency). This sequence change replaces glycine with glutamic acid at codon 347 of the L1CAM protein (p.Gly347Glu). The glycine residue is highly conserved and there is a moderate physicochemical difference between glycine and glutamic acid.

NM_001278116.2(L1CAM):c.1040G>A (p.Gly347Glu)

Gene: L1CAM (L1 cell adhesion molecule; minus strand). Cytogenetic location: Xq28.
Variant type: single nucleotide variant.
Coding change: c.1040G>A on transcript NM_001278116.2 (MANE Select); coding-DNA position 1040, G replaced by A.
Protein change: p.Gly347Glu; replaces glycine 347 with glutamic acid.
Molecular consequence: missense variant.
Genome position (GRCh38, 1-based): chrX:153,869,886, C>T on the plus strand (G>A on the coding strand, the complement: L1CAM is on the minus strand). VCF-style: chrX-153869886-C-T. GRCh37 (hg19) VCF-style: chrX-153135341-C-T.
Other names: c.1040G>A, p.Gly347Glu (NM_000425.5, NM_024003.3); c.1025G>A, p.Gly342Glu (NM_001143963.2); short protein forms G347E, G342E.
Identifiers: ClinVar variation 1496561 (VCV001496561.8), dbSNP rs2064751491, ClinGen allele CA415130944.